The following is an entry in ClinVar:

NM_024408.4(NOTCH2):c.2981+6C>G

Gene: NOTCH2 (notch receptor 2; minus strand). Cytogenetic location: 1p12.
Variant type: single nucleotide variant.
Coding change: c.2981+6C>G on transcript NM_024408.4 (MANE Select); 6 bases into the intron after coding-DNA position 2981, C replaced by G.
Molecular consequence: intron variant.
Genome position (GRCh38, 1-based): chr1:119,941,520, G>C on the plus strand (C>G on the coding strand, the complement: NOTCH2 is on the minus strand). VCF-style: chr1-119941520-G-C. GRCh37 (hg19) VCF-style: chr1-120484143-G-C.
Other names: c.2981+6C>G (NM_001200001.2, NM_024408.3).
Identifiers: ClinVar variation 3637799 (VCV003637799.3).

ClinVar aggregate classification (germline): Conflicting classifications of pathogenicity. Review status: criteria provided, conflicting classifications (1 of 4 stars). 2 submissions from 2 submitters: Uncertain significance (1); Likely benign (1). Last evaluated 2025-10-14.

Conditions:
Hajdu-Cheney syndrome (HJCYS). Also called: ACROOSTEOLYSIS WITH OSTEOPOROSIS AND CHANGES IN SKULL AND MANDIBLE; SERPENTINE FIBULA-POLYCYSTIC KIDNEY SYNDROME; Acroosteolysis dominant type. Identifiers: Orphanet 955, MedGen C0917715, MONDO:0007057, OMIM 102500.
NOTCH2-related disorder. Also called: NOTCH2-related condition.

gnomAD v4.1: 107 of 1,596,202 alleles (0.0067%); highest among the groups gnomAD compares: Non-Finnish European, 0.0089%; no homozygotes.

Submissions (2):

Labcorp Genetics (formerly Invitae), Labcorp
Classification: Uncertain significance for Hajdu-Cheney syndrome. Last evaluated: 2025-10-14. Review status: criteria provided, single submitter. Criteria: Invitae Variant Classification Sherloc (09022015). Collection method: clinical testing. Allele origin: germline.
Comment: This sequence change falls in intron 18 of the NOTCH2 gene. It does not directly change the encoded amino acid sequence of the NOTCH2 protein. It affects a nucleotide within the consensus splice site. This variant is present in population databases (rs372064673, gnomAD 0.005%). This variant has not been reported in the literature in individuals affected with NOTCH2-related conditions. ClinVar contains an entry for this variant (Variation ID: 3637799). Variants that disrupt the consensus splice site are a relatively common cause of aberrant splicing (PMID: 17576681, 9536098). Algorithms developed to predict the effect of sequence changes on RNA splicing suggest that this variant is not likely to affect RNA splicing. In summary, the available evidence is currently insufficient to determine the role of this variant in disease. Therefore, it has been classified as a Variant of Uncertain Significance.

PreventionGenetics, part of Exact Sciences
Classification: Likely benign for NOTCH2-related condition. Last evaluated: 2024-10-30. Review status: criteria provided, single submitter. Criteria: ACMG Guidelines, 2015. Collection method: clinical testing. Allele origin: germline.
Comment: This variant is classified as likely benign based on ACMG/AMP sequence variant interpretation guidelines (Richards et al. 2015 PMID: 25741868, with internal and published modifications).

Literature cited by the submitters: PubMed 17576681 (cited by Labcorp Genetics (formerly Invitae), Labcorp); PubMed 9536098 (cited by Labcorp Genetics (formerly Invitae), Labcorp).